The following is an entry in ClinVar:

ClinVar aggregate classification (germline): Uncertain significance. Review status: criteria provided, multiple submitters, no conflicts (2 of 4 stars). 3 submissions from 3 submitters: Uncertain significance (3). Last evaluated 2025-08-15.

Conditions:
Familial thoracic aortic aneurysm and aortic dissection (TAAD). Also called: Thoracic aortic aneurysms and dissections. Identifiers: Orphanet 91387, MedGen C4707243, MONDO:0019625.

gnomAD v4.1: 7 of 1,614,012 alleles (0.00043%); highest among the groups gnomAD compares: African/African-American, 0.0053%; no homozygotes.

Submissions (3):

GeneDx
Classification: Uncertain significance. Last evaluated: 2025-08-15. Review status: criteria provided, single submitter. Criteria: GeneDx Variant Classification Process June 2021. Collection method: clinical testing. Allele origin: germline. Affected: yes.
Comment: In silico analysis suggests that this missense variant does not alter protein structure/function; Has not been previously published as pathogenic or benign to our knowledge

Ambry Genetics
Classification: Uncertain significance for Familial thoracic aortic aneurysm and aortic dissection. Last evaluated: 2023-05-08. Review status: criteria provided, single submitter. Criteria: Ambry Variant Classification Scheme 2023. Collection method: clinical testing. Allele origin: germline.
Comment: The p.F32L variant (also known as c.96C>A), located in coding exon 1 of the TGFB3 gene, results from a C to A substitution at nucleotide position 96. The phenylalanine at codon 32 is replaced by leucine, an amino acid with highly similar properties. This amino acid position is conserved. In addition, this alteration is predicted to be tolerated by in silico analysis. Since supporting evidence is limited at this time, the clinical significance of this alteration remains unclear.

Women's Health and Genetics/Laboratory Corporation of America, LabCorp
Classification: Uncertain significance. Last evaluated: 2022-03-21. Review status: criteria provided, single submitter. Criteria: LabCorp Variant Classification Summary - May 2015. Collection method: clinical testing. Allele origin: germline.
Comment: Variant summary: TGFB3 c.96C>A (p.Phe32Leu) results in a non-conservative amino acid change in the encoded protein sequence. Four of five in-silico tools predict a benign effect of the variant on protein function. The variant was absent in 251488 control chromosomes. The available data on variant occurrences in the general population are insufficient to allow any conclusion about variant significance. To our knowledge, no occurrence of c.96C>A in individuals affected with Loeys-Dietz Syndrome and no experimental evidence demonstrating its impact on protein function have been reported. No clinical diagnostic laboratories have submitted clinical-significance assessments for this variant to ClinVar after 2014. Based on the evidence outlined above, the variant was classified as uncertain significance.

NM_003239.5(TGFB3):c.96C>A (p.Phe32Leu)

Gene: TGFB3 (transforming growth factor beta 3; minus strand). Cytogenetic location: 14q24.3.
Variant type: single nucleotide variant.
Coding change: c.96C>A on transcript NM_003239.5 (MANE Select); coding-DNA position 96, C replaced by A.
Protein change: p.Phe32Leu; replaces phenylalanine 32 with leucine.
Molecular consequence: missense variant.
Genome position (GRCh38, 1-based): chr14:75,980,798, G>T on the plus strand (C>A on the coding strand, the complement: TGFB3 is on the minus strand). VCF-style: chr14-75980798-G-T. GRCh37 (hg19) VCF-style: chr14-76447141-G-T.
Other names: c.96C>A, p.Phe32Leu (NM_001329938.2, NM_001329939.2); c.96C>A (NM_003239.2); short protein forms F32L.
Identifiers: ClinVar variation 1677168 (VCV001677168.4), dbSNP rs748977151, ClinGen allele CA390471668.